The following is an entry in ClinVar:

NM_000254.3(MTR):c.3704A>G (p.Lys1235Arg)

Gene: MTR (5-methyltetrahydrofolate-homocysteine methyltransferase; plus strand). Cytogenetic location: 1q43.
Variant type: single nucleotide variant.
Coding change: c.3704A>G on transcript NM_000254.3 (MANE Select); coding-DNA position 3704, A replaced by G.
Protein change: p.Lys1235Arg; replaces lysine 1235 with arginine.
Molecular consequence: missense variant.
Genome position (GRCh38, 1-based): chr1:236,897,111, A>G. VCF-style: chr1-236897111-A-G. GRCh37 (hg19) VCF-style: chr1-237060411-A-G.
Other names: c.3551A>G, p.Lys1184Arg (NM_001291939.1); c.2483A>G, p.Lys828Arg (NM_001291940.2); short protein forms K1235R, K1184R, K828R.
Identifiers: ClinVar variation 1348326 (VCV001348326.5), dbSNP rs779312137, ClinGen allele CA1474767.
Genomic context (GRCh38, chr1:236,897,111, plus strand): 5'-TCTCAGGCCTCTACTTCTCCAATTTGAAGTCCAAATATTTTGCTGTGGGGAAGATTTCCA[A>G]GGATCAGGTAAGCTAGCTGTTGCATTATATGTGGCTTGCCTAGTTCAAATGAAATTCTAG-3'
Protein context (NP_000245.2, residues 1225-1245): SKYFAVGKIS[Lys1235Arg]DQVEDYALRK

ClinVar aggregate classification (germline): Uncertain significance (1 of 4 stars; one submission).

Conditions:
Methylcobalamin deficiency type cblG (HMAG). Also called: HOMOCYSTINURIA-MEGALOBLASTIC ANEMIA, cblG COMPLEMENTATION TYPE; HOMOCYSTINURIA-MEGALOBLASTIC ANEMIA, cblG TYPE; Functional methionine synthase deficiency type cblG; HOMOCYSTINURIA-MEGALOBLASTIC ANEMIA DUE TO DEFECT IN COBALAMIN METABOLISM, cblG COMPLEMENTATION TYPE. Identifiers: Orphanet 2170, Orphanet 622, MedGen C1855128, MONDO:0009609, OMIM 250940.

Allele frequency attached by ClinVar (database versions not stated): gnomAD exomes below 0.00001; ExAC 0.00001; gnomAD 0.00001.

Submission:

Labcorp Genetics (formerly Invitae), Labcorp
Classification: Uncertain significance for Methylcobalamin deficiency type cblG. Last evaluated: 2024-05-27. Review status: criteria provided, single submitter. Criteria: Invitae Variant Classification Sherloc (09022015). Collection method: clinical testing. Allele origin: germline.
Comment: This sequence change replaces lysine, which is basic and polar, with arginine, which is basic and polar, at codon 1235 of the MTR protein (p.Lys1235Arg). This variant is present in population databases (rs779312137, gnomAD 0.0009%). This variant has not been reported in the literature in individuals affected with MTR-related conditions. ClinVar contains an entry for this variant (Variation ID: 1348326). Advanced modeling of protein sequence and biophysical properties (such as structural, functional, and spatial information, amino acid conservation, physicochemical variation, residue mobility, and thermodynamic stability) performed at Invitae indicates that this missense variant is not expected to disrupt MTR protein function with a negative predictive value of 80%. In summary, the available evidence is currently insufficient to determine the role of this variant in disease. Therefore, it has been classified as a Variant of Uncertain Significance.